The following is an entry in ClinVar:

ClinVar aggregate classification (germline): Uncertain significance (1 of 4 stars; one submission).

Conditions:
Hereditary cancer-predisposing syndrome. Also called: Neoplastic Syndromes, Hereditary; Tumor predisposition; Hereditary Cancer Syndrome; Hereditary neoplastic syndrome. Identifiers: Orphanet 140162, MedGen C0027672, MeSH D009386, MONDO:0015356.

Submission:

Ambry Genetics
Classification: Uncertain significance for Hereditary cancer-predisposing syndrome. Last evaluated: 2024-07-29. Review status: criteria provided, single submitter. Criteria: Ambry Variant Classification Scheme 2023. Collection method: clinical testing. Allele origin: germline.
Comment: The p.E10D variant (also known as c.30G>C), located in coding exon 1 of the PRKAR1A gene, results from a G to C substitution at nucleotide position 30. The glutamic acid at codon 10 is replaced by aspartic acid, an amino acid with highly similar properties. This amino acid position is conserved. In addition, the in silico prediction for this alteration is inconclusive. Based on the available evidence, the clinical significance of this variant remains unclear.

NM_002734.5(PRKAR1A):c.30G>C (p.Glu10Asp)

Gene: PRKAR1A (protein kinase cAMP-dependent type I regulatory subunit alpha; plus strand). Cytogenetic location: 17q24.2.
Variant type: single nucleotide variant.
Coding change: c.30G>C on transcript NM_002734.5 (MANE Select); coding-DNA position 30, G replaced by C.
Protein change: p.Glu10Asp; replaces glutamic acid 10 with aspartic acid.
Molecular consequence: missense variant.
Genome position (GRCh38, 1-based): chr17:68,515,429, G>C. VCF-style: chr17-68515429-G-C. GRCh37 (hg19) VCF-style: chr17-66511570-G-C.
Other names: c.30G>C, p.Glu10Asp (NM_001276289.2, NM_001276290.1, NM_001278433.2 and 4 more transcripts); short protein forms E10D.
Identifiers: ClinVar variation 3425059 (VCV003425059.1).